The following is an entry in ClinVar:

ClinVar aggregate classification (germline): Uncertain significance (1 of 4 stars; one submission).

Conditions:
DOCK2 deficiency. Also called: Immunodeficiency 40. Identifiers: Orphanet 447737, MedGen C4225328, MONDO:0014637, OMIM 616433.

Allele frequency attached by ClinVar (database versions not stated): TOPMed below 0.00001.

Submission:

Labcorp Genetics (formerly Invitae), Labcorp
Classification: Uncertain significance for DOCK2 deficiency. Last evaluated: 2024-12-09. Review status: criteria provided, single submitter. Criteria: Invitae Variant Classification Sherloc (09022015). Collection method: clinical testing. Allele origin: germline.
Comment: This sequence change replaces asparagine, which is neutral and polar, with lysine, which is basic and polar, at codon 945 of the DOCK2 protein (p.Asn945Lys). This variant is present in population databases (no rsID available, gnomAD 0.002%). This variant has not been reported in the literature in individuals affected with DOCK2-related conditions. ClinVar contains an entry for this variant (Variation ID: 2054612). An algorithm developed to predict the effect of missense changes on protein structure and function (PolyPhen-2) suggests that this variant is likely to be tolerated. In summary, the available evidence is currently insufficient to determine the role of this variant in disease. Therefore, it has been classified as a Variant of Uncertain Significance.

NM_004946.3(DOCK2):c.2835C>A (p.Asn945Lys)

Gene: DOCK2 (dedicator of cytokinesis 2; plus strand). Cytogenetic location: 5q35.1.
Variant type: single nucleotide variant.
Coding change: c.2835C>A on transcript NM_004946.3 (MANE Select); coding-DNA position 2835, C replaced by A.
Protein change: p.Asn945Lys; replaces asparagine 945 with lysine.
Molecular consequence: missense variant. On other transcripts: non-coding transcript variant (1).
Genome position (GRCh38, 1-based): chr5:169,983,103, C>A. VCF-style: chr5-169983103-C-A. GRCh37 (hg19) VCF-style: chr5-169410107-C-A.
Other names: short protein forms N945K.
Identifiers: ClinVar variation 2054612 (VCV002054612.3), dbSNP rs1171686403, ClinGen allele CA362202962.